The following is an entry in ClinVar:

ClinVar aggregate classification (germline): Uncertain significance. Review status: criteria provided, multiple submitters, no conflicts (2 of 4 stars). 2 submissions from 2 submitters: Uncertain significance (2). Last evaluated 2024-10-15.

Conditions:
Familial sleep-related hypermotor epilepsy. Also called: Autosomal Dominant Sleep-Related Hypermotor (Hyperkinetic) Epilepsy. Identifiers: Orphanet 98784, MedGen C3696898, MONDO:0000030.

Allele frequency attached by ClinVar (database versions not stated): TOPMed 0.00001.

Submissions (2):

Labcorp Genetics (formerly Invitae), Labcorp
Classification: Uncertain significance. Last evaluated: 2024-10-15. Review status: criteria provided, single submitter. Criteria: Invitae Variant Classification Sherloc (09022015). Collection method: clinical testing. Allele origin: germline.
Comment: This sequence change replaces histidine, which is basic and polar, with arginine, which is basic and polar, at codon 137 of the CHRNA4 protein (p.His137Arg). This variant is not present in population databases (gnomAD no frequency). This variant has not been reported in the literature in individuals affected with CHRNA4-related conditions. This missense change has been observed in at least one individual who was not affected with CHRNA4-related conditions (internal data). ClinVar contains an entry for this variant (Variation ID: 1310191). Invitae Evidence Modeling of protein sequence and biophysical properties (such as structural, functional, and spatial information, amino acid conservation, physicochemical variation, residue mobility, and thermodynamic stability) has been performed for this missense variant. However, the output from this modeling did not meet the statistical confidence thresholds required to predict the impact of this variant on CHRNA4 protein function. In summary, the available evidence is currently insufficient to determine the role of this variant in disease. Therefore, it has been classified as a Variant of Uncertain Significance.

GeneDx
Classification: Uncertain significance. Last evaluated: 2020-09-24. Review status: criteria provided, single submitter. Criteria: GeneDx Variant Classification Process June 2021. Collection method: clinical testing. Allele origin: germline. Affected: yes.
Comment: Not observed in large population cohorts (Lek et al., 2016); In silico analysis supports that this missense variant has a deleterious effect on protein structure/function; Has not been previously published as pathogenic or benign to our knowledge

NM_000744.7(CHRNA4):c.410A>G (p.His137Arg)

Gene: CHRNA4 (cholinergic receptor nicotinic alpha 4 subunit; minus strand). Cytogenetic location: 20q13.33.
Variant type: single nucleotide variant.
Coding change: c.410A>G on transcript NM_000744.7 (MANE Select); coding-DNA position 410, A replaced by G.
Protein change: p.His137Arg; replaces histidine 137 with arginine.
Molecular consequence: missense variant. On other transcripts: 5 prime UTR variant (1), non-coding transcript variant (1).
Genome position (GRCh38, 1-based): chr20:63,351,001, T>C on the plus strand (A>G on the coding strand, the complement: CHRNA4 is on the minus strand). VCF-style: chr20-63351001-T-C. GRCh37 (hg19) VCF-style: chr20-61982353-T-C.
Other names: c.-119A>G (NM_001256573.2); short protein forms H137R.
Identifiers: ClinVar variation 1310191 (VCV001310191.9), dbSNP rs1380488577, ClinGen allele CA409638837.